The following is an entry in ClinVar:

ClinVar aggregate classification (germline): Benign. Review status: criteria provided, multiple submitters, no conflicts (2 of 4 stars). 3 submissions from 3 submitters: Benign (3). Last evaluated 2023-03-01.

Allele frequency attached by ClinVar (database versions not stated): 1000 Genomes Project 0.00319; 1000 Genomes Project 30x 0.00328; gnomAD 0.00504; TOPMed 0.00657; ExAC 0.00699; gnomAD exomes 0.00766 and 0.00820; ESP Exome Variant Server 0.00784.
gnomAD v4.1: 13,173 of 1,612,746 alleles (0.82%); highest among the groups gnomAD compares: Middle Eastern, 4.5%; 79 homozygotes.

Submissions (3):

CeGaT Center for Human Genetics Tuebingen
Classification: Benign. Last evaluated: 2023-03-01. Review status: criteria provided, single submitter. Criteria: CeGaT Center For Human Genetics Tuebingen Variant Classification Criteria Version 2. Collection method: clinical testing. Allele origin: germline. Affected: yes. Observed: 1 variant allele.
Comment: POSTN: BS1, BS2

Labcorp Genetics (formerly Invitae), Labcorp
Classification: Benign. Last evaluated: 2017-08-27. Review status: criteria provided, single submitter. Criteria: Invitae Variant Classification Sherloc (09022015). Collection method: clinical testing. Allele origin: germline.

Breakthrough Genomics
Classification: Benign. Review status: criteria provided, single submitter. Criteria: ACMG Guidelines, 2015. Collection method: not provided. Allele origin: germline. Inheritance: Unknown mechanism. Affected: yes.

NM_006475.3(POSTN):c.2396T>C (p.Phe799Ser)

Gene: POSTN (periostin; minus strand). Cytogenetic location: 13q13.3.
Variant type: single nucleotide variant.
Coding change: c.2396T>C on transcript NM_006475.3 (MANE Select); coding-DNA position 2396, T replaced by C.
Protein change: p.Phe799Ser; replaces phenylalanine 799 with serine.
Molecular consequence: missense variant. On other transcripts: intron variant (4).
Genome position (GRCh38, 1-based): chr13:37,569,335, A>G on the plus strand (T>C on the coding strand, the complement: POSTN is on the minus strand). VCF-style: chr13-37569335-A-G. GRCh37 (hg19) VCF-style: chr13-38143472-A-G.
Other names: c.2225T>C, p.Phe742Ser (NM_001135934.2); c.2315T>C, p.Phe772Ser (NM_001286665.2); c.2135T>C, p.Phe712Ser (NM_001286666.2); c.2086+409T>C (NM_001286667.2); c.2176+409T>C (NM_001135936.2); c.2266+409T>C (NM_001135935.2); c.2347+409T>C (NM_001330517.2); short protein forms F799S, F712S, F742S, F772S.
Identifiers: ClinVar variation 782576 (VCV000782576.28), dbSNP rs75157793, ClinGen allele CA6952454.
Genomic context (GRCh38, chr13:37,569,335, plus strand): 5'-GGTTAGTTGTTGTCCTTTTACTAACCTCCCTGAAGCAGTCTTTTAATTTCTTCATCTTCA[A>G]ATAAATGACCATCACCACCTTCAATGAATTTGGTGACCTTGGTGACCTCTGAGAGGATAC-3'
Protein context (NP_006466.2, residues 789-809): KFIEGGDGHL[Phe799Ser]EDEEIKRLLQ